The following is an entry in ClinVar:

NM_001134363.3(RBM20):c.1994C>T (p.Ser665Phe)

Gene: RBM20 (RNA binding motif protein 20; plus strand). Cytogenetic location: 10q25.2.
Variant type: single nucleotide variant.
Coding change: c.1994C>T on transcript NM_001134363.3 (MANE Select); coding-DNA position 1994, C replaced by T.
Protein change: p.Ser665Phe; replaces serine 665 with phenylalanine.
Molecular consequence: missense variant.
Genome position (GRCh38, 1-based): chr10:110,812,391, C>T. VCF-style: chr10-110812391-C-T. GRCh37 (hg19) VCF-style: chr10-112572149-C-T.
Other names: short protein forms S665F.
Identifiers: ClinVar variation 1784027 (VCV001784027.7), dbSNP rs750494502, ClinGen allele CA378370792.
Genomic context (GRCh38, chr10:110,812,391, plus strand): 5'-CGAGGTCCCACACTCCCAGCTTCACCTCCTGCAGCTCTTCCCACAGCCCTCCGGGCCCCT[C>T]CCGGGCTGACTGGGGCAATGGCCGGGACTCCTGGGAGCACTCTCCCTATGCCAGGAGGGA-3'
Protein context (NP_001127835.2, residues 655-675): CSSSHSPPGP[Ser665Phe]RADWGNGRDS

ClinVar aggregate classification (germline): Uncertain significance. Review status: criteria provided, multiple submitters, no conflicts (2 of 4 stars). 2 submissions from 2 submitters: Uncertain significance (2). Last evaluated 2024-04-06.

Conditions:
Cardiovascular phenotype. Identifiers: MedGen CN230736.
Dilated cardiomyopathy 1DD (CMD1DD). Identifiers: Orphanet 154, MedGen C2750995, MONDO:0013168, OMIM 613172.

gnomAD v4.1: 6 of 1,551,608 alleles (0.00039%); highest among the groups gnomAD compares: African/African-American, 0.0014%; no homozygotes.

Submissions (2):

Labcorp Genetics (formerly Invitae), Labcorp
Classification: Uncertain significance for Dilated cardiomyopathy 1DD. Last evaluated: 2024-04-06. Review status: criteria provided, single submitter. Criteria: Invitae Variant Classification Sherloc (09022015). Collection method: clinical testing. Allele origin: germline.
Comment: This sequence change replaces serine, which is neutral and polar, with phenylalanine, which is neutral and non-polar, at codon 665 of the RBM20 protein (p.Ser665Phe). This variant is present in population databases (no rsID available, gnomAD 0.007%). This variant has not been reported in the literature in individuals affected with RBM20-related conditions. ClinVar contains an entry for this variant (Variation ID: 1784027). Advanced modeling of protein sequence and biophysical properties (such as structural, functional, and spatial information, amino acid conservation, physicochemical variation, residue mobility, and thermodynamic stability) performed at Invitae indicates that this missense variant is not expected to disrupt RBM20 protein function with a negative predictive value of 95%. In summary, the available evidence is currently insufficient to determine the role of this variant in disease. Therefore, it has been classified as a Variant of Uncertain Significance.

Ambry Genetics
Classification: Uncertain significance for Cardiovascular phenotype. Last evaluated: 2020-12-14. Review status: criteria provided, single submitter. Criteria: Ambry Variant Classification Scheme 2023. Collection method: clinical testing. Allele origin: germline.
Comment: The p.S665F variant (also known as c.1994C>T), located in coding exon 9 of the RBM20 gene, results from a C to T substitution at nucleotide position 1994. The serine at codon 665 is replaced by phenylalanine, an amino acid with highly dissimilar properties. This amino acid position is not well conserved in available vertebrate species. In addition, this alteration is predicted to be tolerated by in silico analysis. Since supporting evidence is limited at this time, the clinical significance of this alteration remains unclear.